The following is an entry in ClinVar:

NM_153717.3(EVC):c.1894C>T (p.Arg632Trp)

Gene: EVC (EvC ciliary complex subunit 1; plus strand). Cytogenetic location: 4p16.2.
Variant type: single nucleotide variant.
Coding change: c.1894C>T on transcript NM_153717.3 (MANE Select); coding-DNA position 1894, C replaced by T.
Protein change: p.Arg632Trp; replaces arginine 632 with tryptophan.
Molecular consequence: missense variant.
Genome position (GRCh38, 1-based): chr4:5,797,029, C>T. VCF-style: chr4-5797029-C-T. GRCh37 (hg19) VCF-style: chr4-5798756-C-T.
Other names: c.1894C>T, p.Arg632Trp (NM_001306090.2); short protein forms R632W.
Identifiers: ClinVar variation 2203154 (VCV002203154.1), dbSNP rs368940435, ClinGen allele CA2836312.

ClinVar aggregate classification (germline): Uncertain significance (1 of 4 stars; one submission).

Conditions:
Curry-Hall syndrome (WAD). Also called: WEYERS ACRODENTAL DYSOSTOSIS. Identifiers: Orphanet 952, MedGen C0457013, MONDO:0008673, OMIM 193530.
Ellis-van Creveld syndrome (EVC). Also called: MESOECTODERMAL DYSPLASIA; EVC-Related Ellis-van Creveld Syndrome; EVC2-Related Ellis-van Creveld Syndrome; Chondroectodermal dysplasia. Identifiers: Orphanet 289, MedGen C0013903, MONDO:0009162, OMIM 225500.

Allele frequency attached by ClinVar (database versions not stated): gnomAD 0.00001; ExAC 0.00002; gnomAD exomes 0.00002; TOPMed 0.00002; ESP Exome Variant Server 0.00008.
gnomAD v4.1: 35 of 1,612,096 alleles (0.0022%); highest among the groups gnomAD compares: Non-Finnish European, 0.0028%; no homozygotes.

Submission:

Labcorp Genetics (formerly Invitae), Labcorp
Classification: Uncertain significance for Curry-Hall syndrome; Ellis-van Creveld syndrome. Last evaluated: 2021-08-27. Review status: criteria provided, single submitter. Criteria: Invitae Variant Classification Sherloc (09022015). Collection method: clinical testing. Allele origin: germline.
Comment: This sequence change replaces arginine with tryptophan at codon 632 of the EVC protein (p.Arg632Trp). The arginine residue is weakly conserved and there is a moderate physicochemical difference between arginine and tryptophan. This variant is present in population databases (rs368940435, ExAC 0.01%). This variant has not been reported in the literature in individuals affected with EVC-related conditions. Algorithms developed to predict the effect of missense changes on protein structure and function output the following: SIFT: "Tolerated"; PolyPhen-2: "Benign"; Align-GVGD: "Class C0". The tryptophan amino acid residue is found in multiple mammalian species, which suggests that this missense change does not adversely affect protein function. In summary, the available evidence is currently insufficient to determine the role of this variant in disease. Therefore, it has been classified as a Variant of Uncertain Significance.